The following is an entry in ClinVar:

ClinVar aggregate classification (germline): Benign. Review status: criteria provided, multiple submitters, no conflicts (2 of 4 stars). 2 submissions from 2 submitters: Benign (2). Last evaluated 2018-06-16.

Allele frequency attached by ClinVar (database versions not stated): gnomAD 0.07215 and 0.07746; TOPMed 0.08000; 1000 Genomes Project 0.08427; 1000 Genomes Project 30x 0.08948.
gnomAD v4.1: 10,908 of 152,062 alleles (7.2%); highest among the groups gnomAD compares: African/African-American, 25%; 1,308 homozygotes.

Submissions (2):

GeneDx
Classification: Benign. Last evaluated: 2018-06-16. Review status: criteria provided, single submitter. Criteria: GeneDx Variant Classification (06012015). Collection method: clinical testing. Allele origin: germline. Affected: yes.
Comment: This variant is considered likely benign or benign based on one or more of the following criteria: it is a conservative change, it occurs at a poorly conserved position in the protein, it is predicted to be benign by multiple in silico algorithms, and/or has population frequency not consistent with disease.

Breakthrough Genomics
Classification: Benign. Review status: criteria provided, single submitter. Criteria: ACMG Guidelines, 2015. Collection method: not provided. Allele origin: germline. Inheritance: Autosomal recessive inheritance. Affected: yes.

NM_001605.3(AARS1):c.1492+199T>C

Gene: AARS1 (alanyl-tRNA synthetase 1; minus strand). Cytogenetic location: 16q22.1.
Variant type: single nucleotide variant.
Coding change: c.1492+199T>C on transcript NM_001605.3 (MANE Select); 199 bases into the intron after coding-DNA position 1492, T replaced by C.
Molecular consequence: intron variant.
Genome position (GRCh38, 1-based): chr16:70,264,759, A>G on the plus strand (T>C on the coding strand, the complement: AARS1 is on the minus strand). VCF-style: chr16-70264759-A-G. GRCh37 (hg19) VCF-style: chr16-70298662-A-G.
Identifiers: ClinVar variation 677697 (VCV000677697.2), dbSNP rs74024184, ClinGen allele CA283435346.